The following is an entry in ClinVar:

NM_000525.4(KCNJ11):c.510G>C (p.Lys170Asn)

Gene: KCNJ11 (potassium inwardly rectifying channel subfamily J member 11; minus strand). Cytogenetic location: 11p15.1.
Variant type: single nucleotide variant.
Coding change: c.510G>C on transcript NM_000525.4 (MANE Select); coding-DNA position 510, G replaced by C.
Protein change: p.Lys170Asn; replaces lysine 170 with asparagine.
Molecular consequence: missense variant.
Genome position (GRCh38, 1-based): chr11:17,387,582, C>G on the plus strand (G>C on the coding strand, the complement: KCNJ11 is on the minus strand). VCF-style: chr11-17387582-C-G. GRCh37 (hg19) VCF-style: chr11-17409129-C-G.
Other names: c.249G>C, p.Lys83Asn (NM_001166290.2, NM_001377296.1, NM_001377297.1); short protein forms K170N, K83N.
Identifiers: ClinVar variation 8672 (VCV000008672.7), dbSNP rs80356622, ClinGen allele CA340807.

ClinVar aggregate classification (germline): Conflicting classifications of pathogenicity. Review status: criteria provided, conflicting classifications (1 of 4 stars). 4 submissions from 4 submitters: Likely pathogenic (1); Benign (1). 2 of the submissions do not count toward it.

Conditions:
Diabetes mellitus, permanent neonatal 2. Also called: KCNJ11-Related Permanent Neonatal Diabetes Mellitus. Identifiers: MedGen C5394296, MONDO:0030087, OMIM 618856.
Maturity-onset diabetes of the young (MODY). Also called: Maturity onset diabetes mellitus in young. Identifiers: Orphanet 552, MedGen C0342276, MONDO:0018911, HP:0004904.
Neonatal diabetes mellitus (NDM). Identifiers: Orphanet 224, MedGen C0158981, MONDO:0016391.
Permanent neonatal diabetes mellitus (PNDM). Identifiers: Orphanet 99885, MedGen C1833104, MONDO:0100164, MONDO:0011643. Disease mechanism: gain of function.

Submissions (4):

Clinical Genomics, Uppaluri K&H Personalized Medicine Clinic
Classification: Benign for Maturity-onset diabetes of the young. Review status: criteria provided, single submitter. Criteria: K & H Uppaluri Personalized Medicine Clinic Variant Classification & Assertion Criteria_Updated V.1. Collection method: research. Allele origin: somatic. Inheritance: Autosomal dominant inheritance. Affected: yes.
Comment: Mutations in KCNJ11 gene can cause decreased production and secretion of insulin. This can lead to MODY which may be responsive to oral sulfonylureas. It is also associated with Neonatal Diabetes and insulin sensitivity. However, no sufficient evidence is found to ascertain the role of this particular variant (rs80356622) in MODY yet.

Molecular Genetics, Madras Diabetes Research Foundation
Classification: Likely pathogenic for Neonatal diabetes mellitus. Review status: criteria provided, single submitter. Criteria: ACMG Guidelines, 2015. Collection method: clinical testing. Allele origin: germline. Affected: yes.

OMIM
Classification: Pathogenic for DIABETES MELLITUS, PERMANENT NEONATAL, 2. Last evaluated: 2005-01-01. Review status: no assertion criteria provided. Collection method: literature only. Allele origin: germline. Not counted in ClinVar's aggregate classification.

GeneReviews
No classification provided. Condition: Permanent neonatal diabetes mellitus. Review status: no classification provided. Collection method: literature only. Allele origin: unknown. Not counted in ClinVar's aggregate classification.

Literature cited by the submitters: PubMed 17491708 (cited by Clinical Genomics, Uppaluri K&H Personalized Medicine Clinic); PubMed 32893419 (cited by Molecular Genetics, Madras Diabetes Research Foundation); PubMed 15580558 (cited by OMIM and GeneReviews); PubMed 20301620 (cited by GeneReviews); NCBI Bookshelf NBK1447 (cited by GeneReviews).